The following is an entry in ClinVar:

NM_001048174.2(MUTYH):c.1428C>T (p.Thr476=)

Gene: MUTYH (mutY DNA glycosylase; minus strand). Cytogenetic location: 1p34.1.
Variant type: single nucleotide variant.
Coding change: c.1428C>T on transcript NM_001048174.2 (MANE Select); coding-DNA position 1428, C replaced by T.
Protein change: p.Thr476=; no amino-acid change (threonine 476 retained).
Molecular consequence: synonymous variant. On other transcripts: non-coding transcript variant (2).
Genome position (GRCh38, 1-based): chr1:45,330,522, G>A on the plus strand (C>T on the coding strand, the complement: MUTYH is on the minus strand). VCF-style: chr1-45330522-G-A. GRCh37 (hg19) VCF-style: chr1-45796194-G-A.
Other names: c.1428C>T, p.Thr476= (NM_001048171.2, NM_001048173.2, NM_001293195.2); c.1431C>T, p.Thr477= (NM_001048172.2); c.1512C>T, p.Thr504= (NM_001128425.2); c.1473C>T, p.Thr491= (NM_001293190.2); c.1461C>T, p.Thr487= (NM_001293191.2); c.1152C>T, p.Thr384= (NM_001293192.2, NM_001293196.2); c.1083C>T, p.Thr361= (NM_001350650.2, NM_001350651.2); c.1503C>T, p.Thr501= (NM_012222.3).
Identifiers: ClinVar variation 628977 (VCV000628977.16), dbSNP rs749212259, ClinGen allele CA056714.
Genomic context (GRCh38, chr1:45,330,522, plus strand): 5'-ACCTATGGACTCAGGCCTGGGGAGACACGGTTGGGAGAGGCCTAGGAGACTTACCATACA[G>A]GTCCCTGGCTGTTGGCCCTGATACACACGGAAAACCTAGACAAGAAGACAGGGAGGTGAG-3'
Protein context (NP_001041639.1, residues 466-486): FRVYQGQQPG[Thr476=]CMGSKRSQVS

ClinVar aggregate classification (germline): Likely benign. Review status: criteria provided, multiple submitters, no conflicts (2 of 4 stars). 4 submissions from 4 submitters: Likely benign (4). Last evaluated 2026-01-09.

Conditions:
Familial adenomatous polyposis 2. Also called: COLORECTAL ADENOMATOUS POLYPOSIS, AUTOSOMAL RECESSIVE; ADENOMAS, MULTIPLE COLORECTAL, AUTOSOMAL RECESSIVE; MUTYH-associated polyposis; MUTYH-related attenuated familial adenomatous polyposis; MUTYH Polyposis; Adenomas, multiple colorectal. Identifiers: Orphanet 220460, Orphanet 247798, MedGen C3272841, MONDO:0012041, OMIM 608456.
Hereditary cancer-predisposing syndrome. Also called: Neoplastic Syndromes, Hereditary; Hereditary Cancer Syndrome; Tumor predisposition; Hereditary neoplastic syndrome. Identifiers: Orphanet 140162, MedGen C0027672, MeSH D009386, MONDO:0015356.

Allele frequency attached by ClinVar (database versions not stated): gnomAD exomes below 0.00001 and 0.00001; ExAC 0.00002.

Submissions (4):

Labcorp Genetics (formerly Invitae), Labcorp
Classification: Likely benign for Familial adenomatous polyposis 2. Last evaluated: 2026-01-09. Review status: criteria provided, single submitter. Criteria: Invitae Variant Classification Sherloc (09022015). Collection method: clinical testing. Allele origin: germline.

All of Us Research Program, National Institutes of Health
Classification: Likely benign for Familial adenomatous polyposis 2. Last evaluated: 2023-02-10. Review status: criteria provided, single submitter. Criteria: ACMG Guidelines, 2015. Collection method: clinical testing. Allele origin: germline. Inheritance: Autosomal recessive inheritance. Observed: 1 variant allele, 1 heterozygote.
Comment: This study involves interpretation of variants in research participants for the purpose of population health screening. Participant phenotype was not available at the time of variant classification. Additional details can be found in publication PMID: 35346344, PMCID: PMC8962531

Ambry Genetics
Classification: Likely benign for Hereditary cancer-predisposing syndrome. Last evaluated: 2020-03-13. Review status: criteria provided, single submitter. Criteria: Ambry Variant Classification Scheme 2023. Collection method: clinical testing. Allele origin: germline.

Color Diagnostics, LLC DBA Color Health
Classification: Likely benign for Hereditary cancer-predisposing syndrome. Last evaluated: 2018-09-25. Review status: criteria provided, single submitter. Criteria: ACMG Guidelines, 2015. Collection method: clinical testing. Allele origin: germline.